The following is an entry in ClinVar:

ClinVar aggregate classification (germline): Likely benign (1 of 4 stars; one submission).

gnomAD v4.1: 1 of 1,612,816 alleles (0.000062%); highest among the groups gnomAD compares: East Asian, 0.0022%; no homozygotes.

Submission:

CeGaT Center for Human Genetics Tuebingen
Classification: Likely benign. Last evaluated: 2026-08-01. Review status: criteria provided, single submitter. Criteria: CeGaT Center For Human Genetics Tuebingen Variant Classification Criteria Version 2. Collection method: clinical testing. Allele origin: germline. Affected: yes. Observed: 1 variant allele.
Comment: AHNAK2: BP4, BP7

NM_138420.4(AHNAK2):c.10671C>T (p.Pro3557=)

Gene: AHNAK2 (AHNAK nucleoprotein 2; minus strand). Cytogenetic location: 14q32.33.
Variant type: single nucleotide variant.
Coding change: c.10671C>T on transcript NM_138420.4 (MANE Select); coding-DNA position 10671, C replaced by T.
Protein change: p.Pro3557=; no amino-acid change (proline 3557 retained).
Molecular consequence: synonymous variant.
Genome position (GRCh38, 1-based): chr14:104,944,780, G>A on the plus strand (C>T on the coding strand, the complement: AHNAK2 is on the minus strand). VCF-style: chr14-104944780-G-A. GRCh37 (hg19) VCF-style: chr14-105411117-G-A.
Other names: c.10371C>T, p.Pro3457= (NM_001350929.2).
Identifiers: ClinVar variation 5040565 (VCV005040565.1).
Genomic context (GRCh38, chr14:104,944,780, plus strand): 5'-ATCTATCTGGGGGCCCTTGAGGTCCACTTTGGGCGTCTTTAAACTGGGCATCTCCACTTT[G>A]GGCAGGTGCCCTTTGAGGCCGGCTCCCTCGGGCACGGGGCCCTCCAGGAGTTCCACATCC-3'
Protein context (NP_612429.2, residues 3547-3567): PEGAGLKGHL[Pro3557=]KVEMPSLKTP